The following is an entry in ClinVar:

NM_014946.4(SPAST):c.320C>T (p.Pro107Leu)

Gene: SPAST (spastin; plus strand). Cytogenetic location: 2p22.3.
Variant type: single nucleotide variant.
Coding change: c.320C>T on transcript NM_014946.4 (MANE Select); coding-DNA position 320, C replaced by T.
Protein change: p.Pro107Leu; replaces proline 107 with leucine.
Molecular consequence: missense variant.
Genome position (GRCh38, 1-based): chr2:32,064,151, C>T. VCF-style: chr2-32064151-C-T. GRCh37 (hg19) VCF-style: chr2-32289220-C-T.
Other names: c.320C>T, p.Pro107Leu (NM_001363823.2, NM_001363875.2, NM_001377959.1 and 1 more transcripts); short protein forms P107L.
Identifiers: ClinVar variation 660887 (VCV000660887.9), dbSNP rs776858496, ClinGen allele CA1600554.

ClinVar aggregate classification (germline): Uncertain significance. Review status: criteria provided, multiple submitters, no conflicts (2 of 4 stars). 2 submissions from 2 submitters: Uncertain significance (2). Last evaluated 2025-04-13.

Conditions:
Hereditary spastic paraplegia 4. Also called: Spastic paraplegia 4, autosomal dominant; Spastic Paraplegia 4; Familial spastic paraplegia autosomal dominant 2. Identifiers: Orphanet 100985, MedGen C1866855, MONDO:0008438, OMIM 182601.

gnomAD v4.1: 13 of 1,556,082 alleles (0.00084%); highest among the groups gnomAD compares: South Asian, 0.0012%; no homozygotes.

Submissions (2):

GeneDx
Classification: Uncertain significance. Last evaluated: 2025-04-13. Review status: criteria provided, single submitter. Criteria: GeneDx Variant Classification Process June 2021. Collection method: clinical testing. Allele origin: germline. Affected: yes.
Comment: In silico analysis indicates that this missense variant does not alter protein structure/function; Has not been previously published as pathogenic or benign to our knowledge

Labcorp Genetics (formerly Invitae), Labcorp
Classification: Uncertain significance for Hereditary spastic paraplegia 4. Last evaluated: 2018-10-23. Review status: criteria provided, single submitter. Criteria: Invitae Variant Classification Sherloc (09022015). Collection method: clinical testing. Allele origin: germline.
Comment: In summary, the available evidence is currently insufficient to determine the role of this variant in disease. Therefore, it has been classified as a Variant of Uncertain Significance. This variant has not been reported in the literature in individuals with SPAST-related disease. Algorithms developed to predict the effect of missense changes on protein structure and function (SIFT, PolyPhen-2, Align-GVGD) all suggest that this variant is likely to be tolerated, but these predictions have not been confirmed by published functional studies and their clinical significance is uncertain. This variant is present in population databases (rs776858496, ExAC 0.01%). This sequence change replaces proline with leucine at codon 107 of the SPAST protein (p.Pro107Leu). The proline residue is weakly conserved and there is a moderate physicochemical difference between proline and leucine.